The following is an entry in ClinVar:

ClinVar aggregate classification (germline): Likely benign. Review status: criteria provided, multiple submitters, no conflicts (2 of 4 stars). 4 submissions from 4 submitters: Likely benign (3). 1 of the submissions does not count toward it. Last evaluated 2026-01-29.

Conditions:
STAT4-related disorder. Also called: STAT4-related condition.

Allele frequency attached by ClinVar (database versions not stated): 1000 Genomes Project 0.00040; gnomAD 0.00043 and 0.00045; 1000 Genomes Project 30x 0.00047; ExAC 0.00053; TOPMed 0.00058; gnomAD exomes 0.00060 and 0.00064; ESP Exome Variant Server 0.00062.
gnomAD v4.1: 1,009 of 1,613,820 alleles (0.063%); highest among the groups gnomAD compares: Middle Eastern, 0.54%; 3 homozygotes.

Submissions (4):

Labcorp Genetics (formerly Invitae), Labcorp
Classification: Likely benign. Last evaluated: 2026-01-29. Review status: criteria provided, single submitter. Criteria: Invitae Variant Classification Sherloc (09022015). Collection method: clinical testing. Allele origin: germline.

CeGaT Center for Human Genetics Tuebingen
Classification: Likely benign. Last evaluated: 2024-02-01. Review status: criteria provided, single submitter. Criteria: CeGaT Center For Human Genetics Tuebingen Variant Classification Criteria Version 2. Collection method: clinical testing. Allele origin: germline. Affected: yes. Observed: 1 variant allele.
Comment: STAT4: BP4, BP7

Breakthrough Genomics
Classification: Likely benign. Review status: criteria provided, single submitter. Criteria: ACMG Guidelines, 2015. Collection method: not provided. Allele origin: germline. Inheritance: Unknown mechanism. Affected: yes.

PreventionGenetics, part of Exact Sciences
Classification: Likely benign for STAT4-related condition. Last evaluated: 2022-12-15. Review status: no assertion criteria provided. Collection method: clinical testing. Allele origin: germline. Not counted in ClinVar's aggregate classification.
Comment: This variant is classified as likely benign based on ACMG/AMP sequence variant interpretation guidelines (Richards et al. 2015 PMID: 25741868, with internal and published modifications).

NM_003151.4(STAT4):c.816G>A (p.Leu272=)

Gene: STAT4 (signal transducer and activator of transcription 4; minus strand). Cytogenetic location: 2q32.2.
Variant type: single nucleotide variant.
Coding change: c.816G>A on transcript NM_003151.4 (MANE Select); coding-DNA position 816, G replaced by A.
Protein change: p.Leu272=; no amino-acid change (leucine 272 retained).
Molecular consequence: synonymous variant.
Genome position (GRCh38, 1-based): chr2:191,062,887, C>T on the plus strand (G>A on the coding strand, the complement: STAT4 is on the minus strand). VCF-style: chr2-191062887-C-T. GRCh37 (hg19) VCF-style: chr2-191927613-C-T.
Other names: c.816G>A, p.Leu272= (NM_001243835.2).
Identifiers: ClinVar variation 719170 (VCV000719170.35), dbSNP rs140221173, ClinGen allele CA2030775.
Genomic context (GRCh38, chr2:191,062,887, plus strand): 5'-GGGATCACCTTCATATGTCATTTTGGTAGATTGCTCCTCTAGTTTCTCCAATTGCCTTCT[C>T]AGTTGGAAAAGACTTTCTGCCAATAGTGTAAAGCTATTGAACAGAAAATGAAAATCAAAG-3'
Protein context (NP_003142.1, residues 262-282): FTLLAESLFQ[Leu272=]RRQLEKLEEQ